The following is an entry in ClinVar:

NM_000237.3(LPL):c.250G>T (p.Val84Leu)

Gene: LPL (lipoprotein lipase; plus strand). Cytogenetic location: 8p21.3.
Variant type: single nucleotide variant.
Coding change: c.250G>T on transcript NM_000237.3 (MANE Select); coding-DNA position 250, G replaced by T.
Protein change: p.Val84Leu; replaces valine 84 with leucine.
Molecular consequence: missense variant.
Genome position (GRCh38, 1-based): chr8:19,951,769, G>T. VCF-style: chr8-19951769-G-T. GRCh37 (hg19) VCF-style: chr8-19809280-G-T.
Other names: short protein forms V84L.
Identifiers: ClinVar variation 3291188 (VCV003291188.1).

ClinVar aggregate classification (germline): Uncertain significance (1 of 4 stars; one submission).

Conditions:
Cardiovascular phenotype. Identifiers: MedGen CN230736.

Submission:

Ambry Genetics
Classification: Uncertain significance for Cardiovascular phenotype. Last evaluated: 2024-04-26. Review status: criteria provided, single submitter. Criteria: Ambry Variant Classification Scheme 2023. Collection method: clinical testing. Allele origin: germline.
Comment: The p.V84L variant (also known as c.250G>T) is located in coding exon 3 of the LPL gene. The valine at codon 84 is replaced by leucine, an amino acid with highly similar properties. This change occurs in the first base pair of coding exon 3. This amino acid position is conserved. In addition, the in silico prediction for this alteration is inconclusive. Based on the available evidence, the clinical significance of this variant remains unclear.